The following is an entry in ClinVar:

ClinVar aggregate classification (germline): Uncertain significance (1 of 4 stars; one submission).

Conditions:
Brugada syndrome 8 (BRGDA8). Identifiers: Orphanet 130, MedGen C2751083, MONDO:0013148, OMIM 613123.

gnomAD v4.1: 4 of 1,614,190 alleles (0.00025%); highest among the groups gnomAD compares: African/African-American, 0.0013%; no homozygotes.

Submission:

Labcorp Genetics (formerly Invitae), Labcorp
Classification: Uncertain significance for Brugada syndrome 8. Last evaluated: 2024-02-11. Review status: criteria provided, single submitter. Criteria: Invitae Variant Classification Sherloc (09022015). Collection method: clinical testing. Allele origin: germline.
Comment: This sequence change replaces alanine, which is neutral and non-polar, with valine, which is neutral and non-polar, at codon 597 of the HCN4 protein (p.Ala597Val). This variant is not present in population databases (gnomAD no frequency). This variant has not been reported in the literature in individuals affected with HCN4-related conditions. Advanced modeling of protein sequence and biophysical properties (such as structural, functional, and spatial information, amino acid conservation, physicochemical variation, residue mobility, and thermodynamic stability) performed at Invitae indicates that this missense variant is expected to disrupt HCN4 protein function with a positive predictive value of 80%. In summary, the available evidence is currently insufficient to determine the role of this variant in disease. Therefore, it has been classified as a Variant of Uncertain Significance.

NM_005477.3(HCN4):c.1790C>T (p.Ala597Val)

Gene: HCN4 (hyperpolarization activated cyclic nucleotide gated potassium channel 4; minus strand). Cytogenetic location: 15q24.1.
Variant type: single nucleotide variant.
Coding change: c.1790C>T on transcript NM_005477.3 (MANE Select); coding-DNA position 1790, C replaced by T.
Protein change: p.Ala597Val; replaces alanine 597 with valine.
Molecular consequence: missense variant.
Genome position (GRCh38, 1-based): chr15:73,325,143, G>A on the plus strand (C>T on the coding strand, the complement: HCN4 is on the minus strand). VCF-style: chr15-73325143-G-A. GRCh37 (hg19) VCF-style: chr15-73617484-G-A.
Other names: short protein forms A597V.
Identifiers: ClinVar variation 3628667 (VCV003628667.2).
Genomic context (GRCh38, chr15:73,325,143, plus strand): 5'-TGGAAGACCTCGAAACGCAGCTTGGTCAGCATGGACGTCACGAAGTTGGGGTCCGCATTG[G>A]CAAACAGTGGCATGGAGGCCACCAGCTTCCGACAGTTAAAGTTGATGATCTCCTGCCGGA-3'
Protein context (NP_005468.1, residues 587-607): RKLVASMPLF[Ala597Val]NADPNFVTSM